The following is an entry in ClinVar:

NM_004946.3(DOCK2):c.1883A>G (p.Gln628Arg)

Gene: DOCK2 (dedicator of cytokinesis 2; plus strand). Cytogenetic location: 5q35.1.
Variant type: single nucleotide variant.
Coding change: c.1883A>G on transcript NM_004946.3 (MANE Select); coding-DNA position 1883, A replaced by G.
Protein change: p.Gln628Arg; replaces glutamine 628 with arginine.
Molecular consequence: missense variant. On other transcripts: non-coding transcript variant (1).
Genome position (GRCh38, 1-based): chr5:169,714,399, A>G. VCF-style: chr5-169714399-A-G. GRCh37 (hg19) VCF-style: chr5-169141403-A-G.
Other names: short protein forms Q628R.
Identifiers: ClinVar variation 1361198 (VCV001361198.6), dbSNP rs1581082699, ClinGen allele CA362108149.

ClinVar aggregate classification (germline): Uncertain significance (1 of 4 stars; one submission).

Conditions:
DOCK2 deficiency. Also called: Immunodeficiency 40. Identifiers: Orphanet 447737, MedGen C4225328, MONDO:0014637, OMIM 616433.

Allele frequency attached by ClinVar (database versions not stated): gnomAD exomes below 0.00001.

Submission:

Labcorp Genetics (formerly Invitae), Labcorp
Classification: Uncertain significance for DOCK2 deficiency. Last evaluated: 2021-08-31. Review status: criteria provided, single submitter. Criteria: Invitae Variant Classification Sherloc (09022015). Collection method: clinical testing. Allele origin: germline.
Comment: In summary, the available evidence is currently insufficient to determine the role of this variant in disease. Therefore, it has been classified as a Variant of Uncertain Significance. Algorithms developed to predict the effect of missense changes on protein structure and function (SIFT, PolyPhen-2, Align-GVGD) all suggest that this variant is likely to be tolerated. This variant has not been reported in the literature in individuals affected with DOCK2-related conditions. This variant is not present in population databases (ExAC no frequency). This sequence change replaces glutamine with arginine at codon 628 of the DOCK2 protein (p.Gln628Arg). The glutamine residue is weakly conserved and there is a small physicochemical difference between glutamine and arginine.